The following is an entry in ClinVar:

NM_213599.3(ANO5):c.1486G>A (p.Glu496Lys)

Gene: ANO5 (anoctamin 5; plus strand). Cytogenetic location: 11p14.3.
Variant type: single nucleotide variant.
Coding change: c.1486G>A on transcript NM_213599.3 (MANE Select); coding-DNA position 1486, G replaced by A.
Protein change: p.Glu496Lys; replaces glutamic acid 496 with lysine.
Molecular consequence: missense variant.
Genome position (GRCh38, 1-based): chr11:22,259,597, G>A. VCF-style: chr11-22259597-G-A. GRCh37 (hg19) VCF-style: chr11-22281143-G-A.
Other names: c.1483G>A, p.Glu495Lys (NM_001142649.2); short protein forms E495K, E496K.
Identifiers: ClinVar variation 1465403 (VCV001465403.6), dbSNP rs1854122899, ClinGen allele CA379922133.

ClinVar aggregate classification (germline): Uncertain significance (1 of 4 stars; one submission).

Conditions:
Gnathodiaphyseal dysplasia (GDD). Also called: GNATHODIAPHYSEAL SCLEROSIS; OSTEOGENESIS IMPERFECTA WITH UNUSUAL SKELETAL LESIONS. Identifiers: Orphanet 53697, MedGen C1833736, MONDO:0008151, OMIM 166260.
Autosomal recessive limb-girdle muscular dystrophy type 2L (LGMDR12). Also called: Limb-girdle muscular dystrophy, type 2L; MUSCULAR DYSTROPHY, LIMB-GIRDLE, AUTOSOMAL RECESSIVE 12; Limb-Girdle Muscular Dystrophy R12 Anoctamin-5-Related (LGMD-R12). Identifiers: Orphanet 206549, MedGen C1969785, MONDO:0012652, OMIM 611307.

Allele frequency attached by ClinVar (database versions not stated): gnomAD exomes below 0.00001; TOPMed below 0.00001.
gnomAD v4.1: 1 of 1,614,104 alleles (0.000062%); highest among the groups gnomAD compares: Admixed American, 0.0017%; no homozygotes.

Submission:

Labcorp Genetics (formerly Invitae), Labcorp
Classification: Uncertain significance for Autosomal recessive limb-girdle muscular dystrophy type 2L; Gnathodiaphyseal dysplasia. Last evaluated: 2024-12-07. Review status: criteria provided, single submitter. Criteria: Invitae Variant Classification Sherloc (09022015). Collection method: clinical testing. Allele origin: germline.
Comment: This sequence change replaces glutamic acid, which is acidic and polar, with lysine, which is basic and polar, at codon 496 of the ANO5 protein (p.Glu496Lys). This variant is not present in population databases (gnomAD no frequency). This variant has not been reported in the literature in individuals affected with ANO5-related conditions. ClinVar contains an entry for this variant (Variation ID: 1465403). Invitae Evidence Modeling of protein sequence and biophysical properties (such as structural, functional, and spatial information, amino acid conservation, physicochemical variation, residue mobility, and thermodynamic stability) indicates that this missense variant is not expected to disrupt ANO5 protein function with a negative predictive value of 95%. In summary, the available evidence is currently insufficient to determine the role of this variant in disease. Therefore, it has been classified as a Variant of Uncertain Significance.